The following is an entry in ClinVar:

NM_145059.3(FCSK):c.1661C>T (p.Ala554Val)

Gene: FCSK (fucose kinase; plus strand). Cytogenetic location: 16q22.1.
Variant type: single nucleotide variant.
Coding change: c.1661C>T on transcript NM_145059.3 (MANE Select); coding-DNA position 1661, C replaced by T.
Protein change: p.Ala554Val; replaces alanine 554 with valine.
Molecular consequence: missense variant.
Genome position (GRCh38, 1-based): chr16:70,473,237, C>T. VCF-style: chr16-70473237-C-T. GRCh37 (hg19) VCF-style: chr16-70507140-C-T.
Other names: c.1661C>T (NM_145059.2); short protein forms A554V.
Identifiers: ClinVar variation 1899781 (VCV001899781.6), dbSNP rs772040460, ClinGen allele CA8143400.

ClinVar aggregate classification (germline): Uncertain significance. Review status: criteria provided, multiple submitters, no conflicts (2 of 4 stars). 2 submissions from 2 submitters: Uncertain significance (2). Last evaluated 2025-04-10.

gnomAD v4.1: 72 of 1,535,204 alleles (0.0047%); highest among the groups gnomAD compares: Non-Finnish European, 0.0058%; no homozygotes.

Submissions (2):

Ambry Genetics
Classification: Uncertain significance. Last evaluated: 2025-04-10. Review status: criteria provided, single submitter. Criteria: Ambry Variant Classification Scheme 2023. Collection method: clinical testing. Allele origin: germline.

Labcorp Genetics (formerly Invitae), Labcorp
Classification: Uncertain significance. Last evaluated: 2024-04-15. Review status: criteria provided, single submitter. Criteria: Invitae Variant Classification Sherloc (09022015). Collection method: clinical testing. Allele origin: germline.
Comment: This sequence change replaces alanine, which is neutral and non-polar, with valine, which is neutral and non-polar, at codon 554 of the FUK protein (p.Ala554Val). This variant is present in population databases (rs772040460, gnomAD 0.004%). This variant has not been reported in the literature in individuals affected with FUK-related conditions. ClinVar contains an entry for this variant (Variation ID: 1899781). An algorithm developed to predict the effect of missense changes on protein structure and function (PolyPhen-2) suggests that this variant is likely to be disruptive. Algorithms developed to predict the effect of sequence changes on RNA splicing suggest that this variant may create or strengthen a splice site. In summary, the available evidence is currently insufficient to determine the role of this variant in disease. Therefore, it has been classified as a Variant of Uncertain Significance.